The following is an entry in ClinVar:

NM_000020.3(ACVRL1):c.1010del (p.Leu337fs)

Gene: ACVRL1 (activin A receptor like type 1; plus strand). Cytogenetic location: 12q13.13.
Variant type: Deletion.
Coding change: c.1010del on transcript NM_000020.3 (MANE Select); coding-DNA position 1010, one base deleted (T; older notation c.1010delT).
Protein change: p.Leu337fs; shifts the reading frame from leucine 337.
Molecular consequence: frameshift variant.
Genome position (GRCh38, 1-based): chr12:51,915,462, T deleted. VCF-style (leftmost placement, unchanged base first): chr12-51915461-CT-C. GRCh37 (hg19) VCF-style: chr12-52309245-CT-C.
Other names: c.1010del, p.Leu337fs (NM_001077401.2); short protein forms L337fs.
Identifiers: ClinVar variation 1074702 (VCV001074702.11), dbSNP rs2139074041, ClinGen allele CA2499221748.

ClinVar aggregate classification (germline): Pathogenic. Review status: criteria provided, multiple submitters, no conflicts (2 of 4 stars). 2 submissions from 2 submitters: Pathogenic (2). Last evaluated 2025-03-09.

Conditions:
Cardiovascular phenotype. Identifiers: MedGen CN230736.
Telangiectasia, hereditary hemorrhagic, type 2 (HHT2). Also called: ACVRL1-Related Hereditary Hemorrhagic Telangiectasia; Telangiectasia, hereditary hemorrhagic, type II. Identifiers: Orphanet 774, MedGen C1838163, MONDO:0010880, OMIM 600376. Disease mechanism: loss of function.

Submissions (2):

Labcorp Genetics (formerly Invitae), Labcorp
Classification: Pathogenic for Telangiectasia, hereditary hemorrhagic, type 2. Last evaluated: 2025-03-09. Review status: criteria provided, single submitter. Criteria: Invitae Variant Classification Sherloc (09022015). Collection method: clinical testing. Allele origin: germline.
Comment: This sequence change creates a premature translational stop signal (p.Leu337Argfs*17) in the ACVRL1 gene. It is expected to result in an absent or disrupted protein product. Loss-of-function variants in ACVRL1 are known to be pathogenic (PMID: 15879500). This variant is not present in population databases (gnomAD no frequency). This premature translational stop signal has been observed in individual(s) with hereditary hemorrhagic telangiectasia (PMID: 16705692). ClinVar contains an entry for this variant (Variation ID: 1074702). For these reasons, this variant has been classified as Pathogenic.

Ambry Genetics
Classification: Pathogenic for Cardiovascular phenotype. Last evaluated: 2023-12-12. Review status: criteria provided, single submitter. Criteria: Ambry Variant Classification Scheme 2023. Collection method: clinical testing. Allele origin: germline.
Comment: The c.1010delT pathogenic mutation, located in coding exon 6 of the ACVRL1 gene, results from a deletion of one nucleotide at nucleotide position 1010, causing a translational frameshift with a predicted alternate stop codon (p.L337Rfs*17). This mutation was detected in an individual with a clinical diagnosis of hereditary hemorrhagic telangiectasia (Lesca G et al. Hum. Mutat., 2006 Jun;27:598). It was also detected in an individual with epistaxis as well as cutaneous and gastrointestinal telangiectasias (McDonald J et al. Clin. Genet., 2011 Apr;79:335-44). This variant is considered to be rare based on population cohorts in the Genome Aggregation Database (gnomAD). In addition to the clinical data presented in the literature, this alteration is expected to result in loss of function by premature protein truncation or nonsense-mediated mRNA decay. As such, this alteration is interpreted as a disease-causing mutation.

Literature cited by the submitters: PubMed 15879500 (cited by Labcorp Genetics (formerly Invitae), Labcorp); PubMed 16705692 (cited by Labcorp Genetics (formerly Invitae), Labcorp and Ambry Genetics); PubMed 21158752 (cited by Ambry Genetics).